The following is an entry in ClinVar:

ClinVar aggregate classification (germline): Uncertain significance. Review status: criteria provided, multiple submitters, no conflicts (2 of 4 stars). 3 submissions from 3 submitters: Uncertain significance (2). 1 of the submissions does not count toward it. Last evaluated 2025-05-14.

Conditions:
TET2-related disorder. Also called: TET2-related condition.
Immunodeficiency 75. Also called: IMMUNODEFICIENCY 75 WITH LYMPHOPROLIFERATION. Identifiers: Orphanet 664729, MedGen C5436860, MONDO:0030858, OMIM 619126.

gnomAD v4.1: 244 of 1,613,986 alleles (0.015%); highest among the groups gnomAD compares: South Asian, 0.23%; 5 homozygotes.

Submissions (3):

Revvity Omics, Revvity
Classification: Uncertain significance for Immunodeficiency 75. Last evaluated: 2025-05-14. Review status: criteria provided, single submitter. Criteria: ACMG Guidelines, 2015. Collection method: clinical testing. Allele origin: germline.

Labcorp Genetics (formerly Invitae), Labcorp
Classification: Uncertain significance. Last evaluated: 2024-07-22. Review status: criteria provided, single submitter. Criteria: Invitae Variant Classification Sherloc (09022015). Collection method: clinical testing. Allele origin: germline.
Comment: This sequence change replaces arginine, which is basic and polar, with lysine, which is basic and polar, at codon 1095 of the TET2 protein (p.Arg1095Lys). This variant is present in population databases (rs540890679, gnomAD 0.2%). This variant has not been reported in the literature in individuals affected with TET2-related conditions. An algorithm developed to predict the effect of missense changes on protein structure and function (PolyPhen-2) suggests that this variant¬†is likely to be tolerated. In summary, the available evidence is currently insufficient to determine the role of this variant in disease. Therefore, it has been classified as a Variant of Uncertain Significance.

PreventionGenetics, part of Exact Sciences
Classification: Likely benign for TET2-related condition. Last evaluated: 2024-09-28. Review status: no assertion criteria provided. Collection method: clinical testing. Allele origin: germline. Not counted in ClinVar's aggregate classification.
Comment: This variant is classified as likely benign based on ACMG/AMP sequence variant interpretation guidelines (Richards et al. 2015 PMID: 25741868, with internal and published modifications).

NM_001127208.3(TET2):c.3284G>A (p.Arg1095Lys)

Genes: TET2 (tet methylcytosine dioxygenase 2; plus strand), TET2-AS1 (TET2 antisense RNA 1; minus strand). Cytogenetic location: 4q24.
Variant type: single nucleotide variant.
Coding change: c.3284G>A on transcript NM_001127208.3 (MANE Select); coding-DNA position 3284, G replaced by A.
Protein change: p.Arg1095Lys; replaces arginine 1095 with lysine.
Molecular consequence: missense variant.
Genome position (GRCh38, 1-based): chr4:105,237,226, G>A. VCF-style: chr4-105237226-G-A. GRCh37 (hg19) VCF-style: chr4-106158383-G-A.
Other names: c.3284G>A, p.Arg1095Lys (NM_017628.4); short protein forms R1095K.
Identifiers: ClinVar variation 3350337 (VCV003350337.3).